The following is an entry in ClinVar:

ClinVar aggregate classification (germline): Uncertain significance. Review status: criteria provided, multiple submitters, no conflicts (2 of 4 stars). 2 submissions from 2 submitters: Uncertain significance (2). Last evaluated 2025-10-04.

Conditions:
RYR1-related disorder. Also called: RYR1-related disorders; RYR1-related condition. Identifiers: MedGen CN239331.
Malignant hyperthermia, susceptibility to, 1 (MHS1). Also called: Malignant hyperthermia suceptibility 1; RYR1-Related Malignant Hyperthermia Susceptibility; Anesthesia related hyperthermia; Malignant hyperpyrexia; Fulminating hyperpyrexia; Pharmacogenic myopathy. Identifiers: Orphanet 423, MedGen C2930980, MONDO:0007783, OMIM 145600.

Allele frequency attached by ClinVar (database versions not stated): gnomAD exomes below 0.00001; gnomAD 0.00001.
gnomAD v4.1: 4 of 1,613,802 alleles (0.00025%); highest among the groups gnomAD compares: Admixed American, 0.0033%; no homozygotes.

Submissions (2):

Labcorp Genetics (formerly Invitae), Labcorp
Classification: Uncertain significance for RYR1-related disorder. Last evaluated: 2025-10-04. Review status: criteria provided, single submitter. Criteria: Invitae Variant Classification Sherloc (09022015). Collection method: clinical testing. Allele origin: germline.
Comment: This sequence change replaces leucine, which is neutral and non-polar, with phenylalanine, which is neutral and non-polar, at codon 845 of the RYR1 protein (p.Leu845Phe). This variant is present in population databases (rs201545585, gnomAD 0.007%). This missense change has been observed in individual(s) with RYR1-related conditions (PMID: 35175440). ClinVar contains an entry for this variant (Variation ID: 224374). Invitae Evidence Modeling of protein sequence and biophysical properties (such as structural, functional, and spatial information, amino acid conservation, physicochemical variation, residue mobility, and thermodynamic stability) has been performed for this missense variant. However, the output from this modeling did not meet the statistical confidence thresholds required to predict the impact of this variant on RYR1 protein function. In summary, the available evidence is currently insufficient to determine the role of this variant in disease. Therefore, it has been classified as a Variant of Uncertain Significance.

Biesecker Lab/Clinical Genomics Section, National Institutes of Health
Classification: Uncertain significance for Malignant hyperthermia, susceptibility to, 1. Last evaluated: 2013-07-01. Review status: criteria provided, single submitter. Criteria: Gonsalves et al. 2013. Collection method: research. Allele origin: unknown. Observed: 1 variant allele. Study: ClinSeq.
Comment: The study set was not selected for affection status in relation to any myopathy. Pathogenicity categories were based on literature curation. See Pubmed ID: 24195946 for details.

Literature cited by the submitters: PubMed 35175440 (cited by Labcorp Genetics (formerly Invitae), Labcorp).

NM_000540.3(RYR1):c.2533C>T (p.Leu845Phe)

Gene: RYR1 (ryanodine receptor 1; plus strand). Cytogenetic location: 19q13.2.
Variant type: single nucleotide variant.
Coding change: c.2533C>T on transcript NM_000540.3 (MANE Select); coding-DNA position 2533, C replaced by T.
Protein change: p.Leu845Phe; replaces leucine 845 with phenylalanine.
Molecular consequence: missense variant.
Genome position (GRCh38, 1-based): chr19:38,460,547, C>T. VCF-style: chr19-38460547-C-T. GRCh37 (hg19) VCF-style: chr19-38951187-C-T.
Other names: c.2533C>T, p.Leu845Phe (NM_001042723.2); short protein forms L845F.
Identifiers: ClinVar variation 224374 (VCV000224374.4), dbSNP rs201545585, ClinGen allele CA212126.